The following is an entry in ClinVar:

NM_019098.5(CNGB3):c.1964C>T (p.Ala655Val)

Gene: CNGB3 (cyclic nucleotide gated channel subunit beta 3; minus strand). Cytogenetic location: 8q21.3.
Variant type: single nucleotide variant.
Coding change: c.1964C>T on transcript NM_019098.5 (MANE Select); coding-DNA position 1964, C replaced by T.
Protein change: p.Ala655Val; replaces alanine 655 with valine.
Molecular consequence: missense variant.
Genome position (GRCh38, 1-based): chr8:86,578,828, G>A on the plus strand (C>T on the coding strand, the complement: CNGB3 is on the minus strand). VCF-style: chr8-86578828-G-A. GRCh37 (hg19) VCF-style: chr8-87591056-G-A.
Other names: short protein forms A655V.
Identifiers: ClinVar variation 2185627 (VCV002185627.1), dbSNP rs774779115, ClinGen allele CA4799834.

ClinVar aggregate classification (germline): Uncertain significance (1 of 4 stars; one submission).

Allele frequency attached by ClinVar (database versions not stated): ExAC 0.00002.
gnomAD v4.1: 7 of 1,614,186 alleles (0.00043%); highest among the groups gnomAD compares: Admixed American, 0.0067%; no homozygotes.

Submission:

Labcorp Genetics (formerly Invitae), Labcorp
Classification: Uncertain significance. Last evaluated: 2022-08-06. Review status: criteria provided, single submitter. Criteria: Invitae Variant Classification Sherloc (09022015). Collection method: clinical testing. Allele origin: germline.
Comment: This sequence change replaces alanine, which is neutral and non-polar, with valine, which is neutral and non-polar, at codon 655 of the CNGB3 protein (p.Ala655Val). This variant is present in population databases (rs774779115, gnomAD 0.01%). This variant has not been reported in the literature in individuals affected with CNGB3-related conditions. Advanced modeling of protein sequence and biophysical properties (such as structural, functional, and spatial information, amino acid conservation, physicochemical variation, residue mobility, and thermodynamic stability) performed at Invitae indicates that this missense variant is not expected to disrupt CNGB3 protein function. In summary, the available evidence is currently insufficient to determine the role of this variant in disease. Therefore, it has been classified as a Variant of Uncertain Significance.